The following is an entry in ClinVar:

NM_000138.5(FBN1):c.6483_6496+1del

Gene: FBN1 (fibrillin 1; minus strand). Cytogenetic location: 15q21.1.
Variant type: Deletion.
Coding change: c.6483_6496+1del on transcript NM_000138.5 (MANE Select); coding-DNA position 6483 through the canonical splice donor site of the intron after coding-DNA position 6496, 15 bases deleted (GAATGAATGTGTAGG).
Molecular consequence: splice donor variant.
Genome position (GRCh38, 1-based): chr15:48,436,960-48,436,974, CCTACACATTCATTC deleted on the plus strand (GAATGAATGTGTAGG on the coding strand, the reverse complement: FBN1 is on the minus strand); deleting any 15 consecutive bases within chr15:48,436,960-48,436,977 gives the same sequence; the c. name uses the placement nearest the transcript's 3' end. VCF-style (leftmost placement, unchanged base first): chr15-48436959-ACCTACACATTCATTC-A. GRCh37 (hg19) VCF-style: chr15-48729156-ACCTACACATTCATTC-A.
Other names: c.6483_6496+1del (NM_001406716.1, LRG_778t1).
Identifiers: ClinVar variation 1325442 (VCV001325442.2), dbSNP rs2141240279, ClinGen allele CA2573150924.

ClinVar aggregate classification (germline): Likely pathogenic (1 of 4 stars; one submission).

Conditions:
Marfan syndrome (MFS). Also called: Marfan syndrome type 1; Marfan's syndrome; FBN1-Related Marfan Syndrome; MARFAN SYNDROME, TYPE I; Marfan syndrome, classic. Identifiers: Orphanet 284963, Orphanet 558, MedGen C0024796, MONDO:0007947, OMIM 154700.

Submission:

Centre of Medical Genetics, University of Antwerp
Classification: Likely pathogenic for Marfan syndrome. Last evaluated: 2021-03-01. Review status: criteria provided, single submitter. Criteria: Submitter's publication. Collection method: research. Allele origin: unknown. Affected: yes.
Comment: PM2, PS7, PP4